The following is an entry in ClinVar:

NM_016151.4(TAOK2):c.2563G>A (p.Val855Ile)

Gene: TAOK2 (TAO kinase 2; plus strand). Cytogenetic location: 16p11.2.
Variant type: single nucleotide variant.
Coding change: c.2563G>A on transcript NM_016151.4 (MANE Select); coding-DNA position 2563, G replaced by A.
Protein change: p.Val855Ile; replaces valine 855 with isoleucine.
Molecular consequence: missense variant. On other transcripts: intron variant (2).
Genome position (GRCh38, 1-based): chr16:29,986,835, G>A. VCF-style: chr16-29986835-G-A. GRCh37 (hg19) VCF-style: chr16-29998156-G-A.
Other names: c.2232+331G>A (NM_004783.4); c.2233-9G>A (NM_001252043.2); short protein forms V855I.
Identifiers: ClinVar variation 1969964 (VCV001969964.5), dbSNP rs2543664720, ClinGen allele CA395492749.

ClinVar aggregate classification (germline): Uncertain significance (1 of 4 stars; one submission).

Submission:

Labcorp Genetics (formerly Invitae), Labcorp
Classification: Uncertain significance. Last evaluated: 2022-08-31. Review status: criteria provided, single submitter. Criteria: Invitae Variant Classification Sherloc (09022015). Collection method: clinical testing. Allele origin: germline.
Comment: This sequence change replaces valine, which is neutral and non-polar, with isoleucine, which is neutral and non-polar, at codon 855 of the TAOK2 protein (p.Val855Ile). This variant is not present in population databases (gnomAD no frequency). This variant has not been reported in the literature in individuals affected with TAOK2-related conditions. In summary, the available evidence is currently insufficient to determine the role of this variant in disease. Therefore, it has been classified as a Variant of Uncertain Significance. Algorithms developed to predict the effect of missense changes on protein structure and function (SIFT, PolyPhen-2, Align-GVGD) all suggest that this variant is likely to be tolerated.